The following is an entry in ClinVar:

NM_000540.3(RYR1):c.12493C>A (p.Leu4165Met)

Gene: RYR1 (ryanodine receptor 1; plus strand). Cytogenetic location: 19q13.2.
Variant type: single nucleotide variant.
Coding change: c.12493C>A on transcript NM_000540.3 (MANE Select); coding-DNA position 12493, C replaced by A.
Protein change: p.Leu4165Met; replaces leucine 4165 with methionine.
Molecular consequence: missense variant.
Genome position (GRCh38, 1-based): chr19:38,561,323, C>A. VCF-style: chr19-38561323-C-A. GRCh37 (hg19) VCF-style: chr19-39051963-C-A.
Other names: c.12478C>A, p.Leu4160Met (NM_001042723.2); short protein forms L4165M, L4160M.
Identifiers: ClinVar variation 4694166 (VCV004694166.1).

ClinVar aggregate classification (germline): Uncertain significance (1 of 4 stars; one submission).

Conditions:
RYR1-related disorder. Also called: RYR1-related condition; RYR1-related disorders. Identifiers: MedGen CN239331.

gnomAD v4.1: 14 of 1,614,032 alleles (0.00087%); highest among the groups gnomAD compares: South Asian, 0.014%; 1 homozygote.

Submission:

Labcorp Genetics (formerly Invitae), Labcorp
Classification: Uncertain significance for RYR1-related disorder. Last evaluated: 2025-11-15. Review status: criteria provided, single submitter. Criteria: Invitae Variant Classification Sherloc (09022015). Collection method: clinical testing. Allele origin: germline.
Comment: This sequence change replaces leucine, which is neutral and non-polar, with methionine, which is neutral and non-polar, at codon 4165 of the RYR1 protein (p.Leu4165Met). This variant is present in population databases (rs531584940, gnomAD 0.03%), including at least one homozygous and/or hemizygous individual. This variant has not been reported in the literature in individuals affected with RYR1-related conditions. Invitae Evidence Modeling of protein sequence and biophysical properties (such as structural, functional, and spatial information, amino acid conservation, physicochemical variation, residue mobility, and thermodynamic stability) indicates that this missense variant is not expected to disrupt RYR1 protein function with a negative predictive value of 80%. In summary, the available evidence is currently insufficient to determine the role of this variant in disease. Therefore, it has been classified as a Variant of Uncertain Significance.